The following is an entry in ClinVar:

NM_002968.3(SALL1):c.2018A>G (p.Lys673Arg)

Gene: SALL1 (spalt like transcription factor 1; minus strand). Cytogenetic location: 16q12.1.
Variant type: single nucleotide variant.
Coding change: c.2018A>G on transcript NM_002968.3 (MANE Select); coding-DNA position 2018, A replaced by G.
Protein change: p.Lys673Arg; replaces lysine 673 with arginine.
Molecular consequence: missense variant.
Genome position (GRCh38, 1-based): chr16:51,140,204, T>C on the plus strand (A>G on the coding strand, the complement: SALL1 is on the minus strand). VCF-style: chr16-51140204-T-C. GRCh37 (hg19) VCF-style: chr16-51174115-T-C.
Other names: c.1727A>G, p.Lys576Arg (NM_001127892.2); short protein forms K576R, K673R.
Identifiers: ClinVar variation 2048831 (VCV002048831.4), dbSNP rs765581420, ClinGen allele CA8053175.

ClinVar aggregate classification (germline): Uncertain significance (1 of 4 stars; one submission).

Conditions:
Townes syndrome (TBS). Also called: Townes-Brocks syndrome. Identifiers: Orphanet 857, MedGen C0265246, MeSH C536974, MONDO:0007142.

Allele frequency attached by ClinVar (database versions not stated): ExAC 0.00002; gnomAD 0.00002; TOPMed 0.00003.
gnomAD v4.1: 42 of 1,614,060 alleles (0.0026%); highest among the groups gnomAD compares: Admixed American, 0.018%; no homozygotes.

Submission:

Labcorp Genetics (formerly Invitae), Labcorp
Classification: Uncertain significance for Townes syndrome. Last evaluated: 2025-12-24. Review status: criteria provided, single submitter. Criteria: Invitae Variant Classification Sherloc (09022015). Collection method: clinical testing. Allele origin: germline.
Comment: This sequence change replaces lysine, which is basic and polar, with arginine, which is basic and polar, at codon 673 of the SALL1 protein (p.Lys673Arg). This variant is present in population databases (rs765581420, gnomAD 0.03%). This missense change has been observed in individual(s) with congenital anomalies of the kidney and urinary tract (PMID: 26489027). ClinVar contains an entry for this variant (Variation ID: 2048831). Invitae Evidence Modeling of protein sequence and biophysical properties (such as structural, functional, and spatial information, amino acid conservation, physicochemical variation, residue mobility, and thermodynamic stability) has been performed for this missense variant. However, the output from this modeling did not meet the statistical confidence thresholds required to predict the impact of this variant on SALL1 protein function. In summary, the available evidence is currently insufficient to determine the role of this variant in disease. Therefore, it has been classified as a Variant of Uncertain Significance.

Literature cited by the submitters: PubMed 26489027.